The following is an entry in ClinVar:

NM_000059.4(BRCA2):c.5207A>G (p.Gln1736Arg)

Gene: BRCA2 (BRCA2 DNA repair associated; plus strand). Cytogenetic location: 13q13.1.
Variant type: single nucleotide variant.
Coding change: c.5207A>G on transcript NM_000059.4 (MANE Select); coding-DNA position 5207, A replaced by G.
Protein change: p.Gln1736Arg; replaces glutamine 1736 with arginine.
Molecular consequence: missense variant.
Genome position (GRCh38, 1-based): chr13:32,339,562, A>G. VCF-style: chr13-32339562-A-G. GRCh37 (hg19) VCF-style: chr13-32913699-A-G.
Other names: short protein forms Q1736R.
Identifiers: ClinVar variation 801111 (VCV000801111.18), dbSNP rs1183489363, ClinGen allele CA387784607.

ClinVar aggregate classification (germline): Conflicting classifications of pathogenicity. Review status: criteria provided, conflicting classifications (1 of 4 stars). 7 submissions from 7 submitters: Uncertain significance (6); Likely benign (1). Last evaluated 2024-10-26.

Conditions:
Hereditary cancer-predisposing syndrome. Also called: Neoplastic Syndromes, Hereditary; Hereditary Cancer Syndrome; Tumor predisposition; Hereditary neoplastic syndrome. Identifiers: Orphanet 140162, MedGen C0027672, MeSH D009386, MONDO:0015356.
Hereditary breast ovarian cancer syndrome. Also called: Hereditary breast and ovarian cancer syndrome; Hereditary breast and ovarian cancer; Hereditary breast and ovarian cancer syndrome (HBOC); Hereditary breast and/or ovarian cancer syndrome; Breast and ovarian cancer; BRCA1- and BRCA2-Associated Hereditary Breast and Ovarian Cancer. Identifiers: Orphanet 145, MedGen C0677776, MeSH D061325, MONDO:0003582. Disease mechanism: loss of function.
Breast-ovarian cancer, familial, susceptibility to, 2 (BROVCA2). Also called: BRCA2 Hereditary Breast and Ovarian Cancer. Identifiers: Orphanet 145, MedGen C2675520, MONDO:0012933, OMIM 612555. Disease mechanism: loss of function.

Allele frequency attached by ClinVar (database versions not stated): gnomAD 0.00001; TOPMed 0.00001.
gnomAD v4.1: 1 of 1,608,392 alleles (0.000062%); highest among the groups gnomAD compares: Non-Finnish European, 0.000085%; no homozygotes.

Submissions (7):

Labcorp Genetics (formerly Invitae), Labcorp
Classification: Uncertain significance for Hereditary breast ovarian cancer syndrome. Last evaluated: 2024-10-26. Review status: criteria provided, single submitter. Criteria: Invitae Variant Classification Sherloc (09022015). Collection method: clinical testing. Allele origin: germline.
Comment: This sequence change replaces glutamine, which is neutral and polar, with arginine, which is basic and polar, at codon 1736 of the BRCA2 protein (p.Gln1736Arg). This variant is not present in population databases (gnomAD no frequency). This variant has not been reported in the literature in individuals affected with BRCA2-related conditions. ClinVar contains an entry for this variant (Variation ID: 801111). Invitae Evidence Modeling of protein sequence and biophysical properties (such as structural, functional, and spatial information, amino acid conservation, physicochemical variation, residue mobility, and thermodynamic stability) indicates that this missense variant is not expected to disrupt BRCA2 protein function with a negative predictive value of 95%. In summary, the available evidence is currently insufficient to determine the role of this variant in disease. Therefore, it has been classified as a Variant of Uncertain Significance.

Ambry Genetics
Classification: Uncertain significance for Hereditary cancer-predisposing syndrome. Last evaluated: 2023-09-19. Review status: criteria provided, single submitter. Criteria: Ambry Variant Classification Scheme 2023. Collection method: clinical testing. Allele origin: germline.
Comment: The p.Q1736R variant (also known as c.5207A>G), located in coding exon 10 of the BRCA2 gene, results from an A to G substitution at nucleotide position 5207. The glutamine at codon 1736 is replaced by arginine, an amino acid with highly similar properties. This alteration was identified in a cohort of 3579 African males diagnosed with prostate cancer who underwent multi-gene panel testing of 19 DNA repair and cancer predisposition genes (Matejcic M et al. JCO Precis Oncol, 2020 Jan;4:32-43). This amino acid position is not well conserved in available vertebrate species. In addition, this alteration is predicted to be tolerated by in silico analysis. Since supporting evidence is limited at this time, the clinical significance of this alteration remains unclear.

University of Washington Department of Laboratory Medicine, University of Washington
Classification: Likely benign for Hereditary cancer-predisposing syndrome. Last evaluated: 2023-03-23. Review status: criteria provided, single submitter. Criteria: Dines et al. (Genet Med. 2020). Collection method: curation. Allele origin: germline.
Comment: Missense variant in a coldspot region where missense variants are very unlikely to be pathogenic (PMID:31911673).

BRCA2 exon 11 coldspot. Reclassification based on statistical prior probability.

Sema4
Classification: Uncertain significance for Hereditary cancer-predisposing syndrome. Last evaluated: 2022-03-15. Review status: criteria provided, single submitter. Criteria: Sema4 Curation Guidelines. Collection method: curation. Allele origin: germline.
Comment: To the best of our knowledge, the BRCA2 c.5207A>G (p.Q1736R) variant has not been reported in individuals with BRCA2-related disease. In a breast cancer case-control study, it was reported in a healthy control (PMID: 33471991). It was not observed in the large and broad cohorts of the Genome Aggregation Database (PMID: 32461654). The variant has been reported in ClinVar (Variation ID 801111). Functional studies have not been performed, and in silico predictions of the variant's effect on protein function are inconclusive. The evidence is insufficient to meet ACMG/AMP criteria for classifying the variant as benign or pathogenic. Thus, the clinical significance of this variant is currently uncertain.

Color Diagnostics, LLC DBA Color Health
Classification: Uncertain significance for Hereditary cancer-predisposing syndrome. Last evaluated: 2019-06-25. Review status: criteria provided, single submitter. Criteria: ACMG Guidelines, 2015. Collection method: clinical testing. Allele origin: germline.

Quest Diagnostics Nichols Institute San Juan Capistrano
Classification: Uncertain significance. Last evaluated: 2019-06-12. Review status: criteria provided, single submitter. Criteria: Quest Diagnostics criteria. Collection method: clinical testing. Allele origin: germline.

Mendelics
Classification: Uncertain significance for Breast-ovarian cancer, familial, susceptibility to, 2. Last evaluated: 2019-05-28. Review status: criteria provided, single submitter. Criteria: Mendelics Assertion Criteria 2017. Collection method: clinical testing. Allele origin: unknown.

Literature cited by the submitters: PubMed 32832836 (cited by Ambry Genetics); PubMed 33471991 (cited by Sema4).